The following is an entry in ClinVar:

ClinVar aggregate classification (germline): Uncertain significance. Review status: criteria provided, multiple submitters, no conflicts (2 of 4 stars). 3 submissions from 3 submitters: Uncertain significance (3). Last evaluated 2025-06-18.

Conditions:
Hereditary pheochromocytoma and paraganglioma. Also called: Hereditary pheochromocytoma-paraganglioma; Hereditary Paraganglioma-Pheochromocytoma Syndromes; Hereditary paragangliomas and pheochromocytomas. Identifiers: Orphanet 29072, MedGen C4274332, MONDO:0017366.
Hereditary cancer-predisposing syndrome. Also called: Hereditary neoplastic syndrome; Hereditary Cancer Syndrome; Tumor predisposition; Neoplastic Syndromes, Hereditary. Identifiers: Orphanet 140162, MedGen C0027672, MeSH D009386, MONDO:0015356.

Allele frequency attached by ClinVar (database versions not stated): gnomAD 0.00001; gnomAD exomes 0.00001; TOPMed 0.00001.
gnomAD v4.1: 8 of 1,610,874 alleles (0.0005%); highest among the groups gnomAD compares: Non-Finnish European, 0.00068%; no homozygotes.

Submissions (3):

Labcorp Genetics (formerly Invitae), Labcorp
Classification: Uncertain significance for Hereditary pheochromocytoma and paraganglioma. Last evaluated: 2025-06-18. Review status: criteria provided, single submitter. Criteria: Invitae Variant Classification Sherloc (09022015). Collection method: clinical testing. Allele origin: germline.
Comment: This sequence change replaces serine, which is neutral and polar, with proline, which is neutral and non-polar, at codon 69 of the TMEM127 protein (p.Ser69Pro). This variant is present in population databases (no rsID available, gnomAD 0.007%). This variant has not been reported in the literature in individuals affected with TMEM127-related conditions. ClinVar contains an entry for this variant (Variation ID: 943702). An algorithm developed to predict the effect of missense changes on protein structure and function (PolyPhen-2) suggests that this variant is likely to be tolerated. In summary, the available evidence is currently insufficient to determine the role of this variant in disease. Therefore, it has been classified as a Variant of Uncertain Significance.

Ambry Genetics
Classification: Uncertain significance for Hereditary cancer-predisposing syndrome. Last evaluated: 2024-06-22. Review status: criteria provided, single submitter. Criteria: Ambry Variant Classification Scheme 2023. Collection method: clinical testing. Allele origin: germline.
Comment: The p.S69P variant (also known as c.205T>C), located in coding exon 1 of the TMEM127 gene, results from a T to C substitution at nucleotide position 205. The serine at codon 69 is replaced by proline, an amino acid with similar properties. This amino acid position is conserved. In addition, the in silico prediction for this alteration is inconclusive. Since supporting evidence is limited at this time, the clinical significance of this alteration remains unclear.

GeneDx
Classification: Uncertain significance. Last evaluated: 2023-05-08. Review status: criteria provided, single submitter. Criteria: GeneDx Variant Classification Process June 2021. Collection method: clinical testing. Allele origin: germline. Affected: yes.
Comment: Not observed at significant frequency in large population cohorts (gnomAD); In silico analysis supports that this missense variant does not alter protein structure/function; Has not been previously published as pathogenic or benign to our knowledge

NM_017849.4(TMEM127):c.205T>C (p.Ser69Pro)

Gene: TMEM127 (transmembrane protein 127; minus strand). Cytogenetic location: 2q11.2.
Variant type: single nucleotide variant.
Coding change: c.205T>C on transcript NM_017849.4 (MANE Select); coding-DNA position 205, T replaced by C.
Protein change: p.Ser69Pro; replaces serine 69 with proline.
Molecular consequence: missense variant.
Genome position (GRCh38, 1-based): chr2:96,265,177, A>G on the plus strand (T>C on the coding strand, the complement: TMEM127 is on the minus strand). VCF-style: chr2-96265177-A-G. GRCh37 (hg19) VCF-style: chr2-96930915-A-G.
Other names: c.205T>C, p.Ser69Pro (NM_001193304.3); short protein forms S69P.
Identifiers: ClinVar variation 943702 (VCV000943702.12), dbSNP rs1424733983, ClinGen allele CA347655901.